The following is an entry in ClinVar:

NM_001081.4(CUBN):c.5893G>A (p.Ala1965Thr)

Gene: CUBN (cubilin; minus strand). Cytogenetic location: 10p13.
Variant type: single nucleotide variant.
Coding change: c.5893G>A on transcript NM_001081.4 (MANE Select); coding-DNA position 5893, G replaced by A.
Protein change: p.Ala1965Thr; replaces alanine 1965 with threonine.
Molecular consequence: missense variant.
Genome position (GRCh38, 1-based): chr10:16,937,625, C>T on the plus strand (G>A on the coding strand, the complement: CUBN is on the minus strand). VCF-style: chr10-16937625-C-T. GRCh37 (hg19) VCF-style: chr10-16979624-C-T.
Other names: short protein forms A1965T.
Identifiers: ClinVar variation 2821308 (VCV002821308.3), dbSNP rs1278679762, ClinGen allele CA376154948.
Genomic context (GRCh38, chr10:16,937,625, plus strand): 5'-AAGAACTTCATTTATTACCAAACACACCTGGAGCAATGGTAGGTAAAACACCATCAGGTG[C>T]ATCCACTGCAAACCACTCCAGAAGGAATCCCTTCCCTGAGATTGAAGAGTCGGAGTAAAA-3'
Protein context (NP_001072.2, residues 1955-1975): GFLLEWFAVD[Ala1965Thr]PDGVLPTIAP

ClinVar aggregate classification (germline): Uncertain significance (1 of 4 stars; one submission).

Conditions:
Imerslund-Grasbeck syndrome. Also called: PERNICIOUS ANEMIA, JUVENILE, DUE TO SELECTIVE INTESTINAL MALABSORPTION OF VITAMIN B12, WITH PROTEINURIA; Megaloblastic anemia due to inborn errors of metabolism; Imerslund-Gräsbeck syndrome; ENTEROCYTE COBALAMIN MALABSORPTION; ENTEROCYTE INTRINSIC FACTOR RECEPTOR, DEFECT OF. Identifiers: Orphanet 35858, MedGen C4551825, MONDO:0009853.

Allele frequency attached by ClinVar (database versions not stated): gnomAD exomes below 0.00001.
gnomAD v4.1: 1 of 1,613,976 alleles (0.000062%); highest among the groups gnomAD compares: Non-Finnish European, 0.000085%; no homozygotes.

Submission:

Labcorp Genetics (formerly Invitae), Labcorp
Classification: Uncertain significance for Imerslund-Grasbeck syndrome. Last evaluated: 2023-08-04. Review status: criteria provided, single submitter. Criteria: Invitae Variant Classification Sherloc (09022015). Collection method: clinical testing. Allele origin: germline.
Comment: This sequence change replaces alanine, which is neutral and non-polar, with threonine, which is neutral and polar, at codon 1965 of the CUBN protein (p.Ala1965Thr). This variant is present in population databases (no rsID available, gnomAD 0.002%). This variant has not been reported in the literature in individuals affected with CUBN-related conditions. Advanced modeling of protein sequence and biophysical properties (such as structural, functional, and spatial information, amino acid conservation, physicochemical variation, residue mobility, and thermodynamic stability) performed at Invitae indicates that this missense variant is not expected to disrupt CUBN protein function. In summary, the available evidence is currently insufficient to determine the role of this variant in disease. Therefore, it has been classified as a Variant of Uncertain Significance.